The following is an entry in ClinVar:

ClinVar aggregate classification (germline): Uncertain significance. Review status: criteria provided, multiple submitters, no conflicts (2 of 4 stars). 3 submissions from 3 submitters: Uncertain significance (3). Last evaluated 2025-11-04.

Conditions:
Corneal intraepithelial dyskeratosis-palmoplantar hyperkeratosis-laryngeal dyskeratosis syndrome. Also called: Palmoplantar carcinoma, multiple self-healing. Identifiers: Orphanet 352662, MedGen C3808876, MONDO:0014089, OMIM 615225.

Allele frequency attached by ClinVar (database versions not stated): gnomAD 0.00001; ExAC 0.00002; gnomAD exomes 0.00002 and 0.00003; TOPMed 0.00003.
gnomAD v4.1: 29 of 1,610,976 alleles (0.0018%); highest among the groups gnomAD compares: Admixed American, 0.0067%; no homozygotes.

Submissions (3):

Labcorp Genetics (formerly Invitae), Labcorp
Classification: Uncertain significance. Last evaluated: 2025-11-04. Review status: criteria provided, single submitter. Criteria: Invitae Variant Classification Sherloc (09022015). Collection method: clinical testing. Allele origin: germline.
Comment: This sequence change affects a donor splice site in intron 5 of the NLRP1 gene. It is expected to disrupt RNA splicing. Variants that disrupt the donor or acceptor splice site typically lead to a loss of protein function (PMID: 16199547), however the current clinical and genetic evidence is not sufficient to establish whether loss-of-function variants in NLRP1 cause disease. This variant is present in population databases (rs201533070, gnomAD 0.01%). This variant has not been reported in the literature in individuals affected with NLRP1-related conditions. ClinVar contains an entry for this variant (Variation ID: 1481802). Algorithms developed to predict the effect of sequence changes on RNA splicing suggest that this variant may disrupt the consensus splice site. In summary, the available evidence is currently insufficient to determine the role of this variant in disease. Therefore, it has been classified as a Variant of Uncertain Significance.

Genomic Medicine Center of Excellence, King Faisal Specialist Hospital and Research Centre
Classification: Uncertain significance for Corneal intraepithelial dyskeratosis-palmoplantar hyperkeratosis-laryngeal dyskeratosis syndrome. Last evaluated: 2025-09-10. Review status: criteria provided, single submitter. Criteria: ACMG Guidelines, 2015. Collection method: clinical testing. Allele origin: germline.

CeGaT Center for Human Genetics Tuebingen
Classification: Uncertain significance. Last evaluated: 2024-04-01. Review status: criteria provided, single submitter. Criteria: CeGaT Center For Human Genetics Tuebingen Variant Classification Criteria Version 2. Collection method: clinical testing. Allele origin: germline. Affected: yes. Observed: 1 variant allele.
Comment: NLRP1: PM2, PP3

Literature cited by the submitters: PubMed 16199547 (cited by Labcorp Genetics (formerly Invitae), Labcorp).

NM_033004.4(NLRP1):c.2528+1G>C

Gene: NLRP1 (NLR family pyrin domain containing 1; minus strand). Cytogenetic location: 17p13.2.
Variant type: single nucleotide variant.
Coding change: c.2528+1G>C on transcript NM_033004.4 (MANE Select); the canonical splice donor site of the intron after coding-DNA position 2528, G replaced by C.
Molecular consequence: splice donor variant.
Genome position (GRCh38, 1-based): chr17:5,553,385, C>G on the plus strand (G>C on the coding strand, the complement: NLRP1 is on the minus strand). VCF-style: chr17-5553385-C-G. GRCh37 (hg19) VCF-style: chr17-5456705-C-G.
Other names: c.2528+1G>C (NM_001033053.3, NM_033007.4, NM_033006.4 and 1 more transcripts).
Identifiers: ClinVar variation 1481802 (VCV001481802.27), dbSNP rs201533070, ClinGen allele CA8327146.